The following is an entry in ClinVar:

NM_020699.4(GATAD2B):c.1069C>T (p.Arg357Cys)

Gene: GATAD2B (GATA zinc finger domain containing 2B; minus strand). Cytogenetic location: 1q21.3.
Variant type: single nucleotide variant.
Coding change: c.1069C>T on transcript NM_020699.4 (MANE Select); coding-DNA position 1069, C replaced by T.
Protein change: p.Arg357Cys; replaces arginine 357 with cysteine.
Molecular consequence: missense variant.
Genome position (GRCh38, 1-based): chr1:153,816,420, G>A on the plus strand (C>T on the coding strand, the complement: GATAD2B is on the minus strand). VCF-style: chr1-153816420-G-A. GRCh37 (hg19) VCF-style: chr1-153788896-G-A.
Other names: short protein forms R357C.
Identifiers: ClinVar variation 3098774 (VCV003098774.10), dbSNP rs2525248013, ClinGen allele CA342527443.

ClinVar aggregate classification (germline): Uncertain significance. Review status: criteria provided, multiple submitters, no conflicts (2 of 4 stars). 3 submissions from 3 submitters: Uncertain significance (3). Last evaluated 2025-03-01.

Conditions:
Inborn genetic diseases. Identifiers: MedGen C0950123, MeSH D030342.

Allele frequency attached by ClinVar (database versions not stated): gnomAD exomes below 0.00001.
gnomAD v4.1: 3 of 1,614,196 alleles (0.00019%); highest among the groups gnomAD compares: Non-Finnish European, 0.00025%; no homozygotes.

Submissions (3):

CeGaT Center for Human Genetics Tuebingen
Classification: Uncertain significance. Last evaluated: 2025-03-01. Review status: criteria provided, single submitter. Criteria: CeGaT Center For Human Genetics Tuebingen Variant Classification Criteria Version 2. Collection method: clinical testing. Allele origin: germline. Affected: yes. Observed: 1 variant allele.
Comment: GATAD2B: PS2:Supporting

Labcorp Genetics (formerly Invitae), Labcorp
Classification: Uncertain significance. Last evaluated: 2024-03-24. Review status: criteria provided, single submitter. Criteria: Invitae Variant Classification Sherloc (09022015). Collection method: clinical testing. Allele origin: germline.
Comment: This sequence change replaces arginine, which is basic and polar, with cysteine, which is neutral and slightly polar, at codon 357 of the GATAD2B protein (p.Arg357Cys). This variant is not present in population databases (gnomAD no frequency). This variant has not been reported in the literature in individuals affected with GATAD2B-related conditions. Advanced modeling of protein sequence and biophysical properties (such as structural, functional, and spatial information, amino acid conservation, physicochemical variation, residue mobility, and thermodynamic stability) performed at Invitae indicates that this missense variant is expected to disrupt GATAD2B protein function with a positive predictive value of 80%. In summary, the available evidence is currently insufficient to determine the role of this variant in disease. Therefore, it has been classified as a Variant of Uncertain Significance.

Ambry Genetics
Classification: Uncertain significance for Inborn genetic diseases. Last evaluated: 2023-12-20. Review status: criteria provided, single submitter. Criteria: Ambry Variant Classification Scheme 2023. Collection method: clinical testing. Allele origin: germline.